The following is an entry in ClinVar:

ClinVar aggregate classification (germline): Uncertain significance (1 of 4 stars; one submission).

Conditions:
Hereditary pancreatitis (PCTT). Also called: Hereditary chronic pancreatitis; PRSS1-Related Hereditary Pancreatitis. Identifiers: Orphanet 676, MedGen C0238339, MONDO:0008185, OMIM 167800.

Allele frequency attached by ClinVar (database versions not stated): gnomAD exomes below 0.00001; gnomAD 0.00001.
gnomAD v4.1: 2 of 1,613,980 alleles (0.00012%); highest among the groups gnomAD compares: African/African-American, 0.0013%; no homozygotes.

Submission:

Ambry Genetics
Classification: Uncertain significance for Hereditary pancreatitis. Last evaluated: 2023-01-17. Review status: criteria provided, single submitter. Criteria: Ambry Variant Classification Scheme 2023. Collection method: clinical testing. Allele origin: germline.
Comment: The p.V337A variant (also known as c.1010T>C), located in coding exon 9 of the CPA1 gene, results from a T to C substitution at nucleotide position 1010. The valine at codon 337 is replaced by alanine, an amino acid with similar properties. This variant was not identified in individuals with chronic pancreatitis, but detected in 1 control; in vitro studies demonstrated apparent CPA1 activity and secretion level were 63% and 90% of wild type, respectively (Witt H et al. Nat Genet, 2013 Oct;45:1216-20). This amino acid position is highly conserved through mammals but not in all available vertebrate species. In addition, this alteration is predicted to be tolerated by in silico analysis. Since supporting evidence is limited at this time, the clinical significance of this alteration remains unclear.

Literature cited by the submitters: PubMed 23955596.

NM_001868.4(CPA1):c.1010T>C (p.Val337Ala)

Gene: CPA1 (carboxypeptidase A1; plus strand). Cytogenetic location: 7q32.2.
Variant type: single nucleotide variant.
Coding change: c.1010T>C on transcript NM_001868.4 (MANE Select); coding-DNA position 1010, T replaced by C.
Protein change: p.Val337Ala; replaces valine 337 with alanine.
Molecular consequence: missense variant.
Genome position (GRCh38, 1-based): chr7:130,385,861, T>C. VCF-style: chr7-130385861-T-C. GRCh37 (hg19) VCF-style: chr7-130025702-T-C.
Other names: short protein forms V337A.
Identifiers: ClinVar variation 2496915 (VCV002496915.2), dbSNP rs1554411952, ClinGen allele CA369284017.